The following is an entry in ClinVar:

ClinVar aggregate classification (germline): Uncertain significance (1 of 4 stars; one submission).

Conditions:
Generalized epilepsy with febrile seizures plus, type 7 (GEFSP7). Also called: GEFS+, TYPE 7. Identifiers: Orphanet 36387, MedGen C2751778, MONDO:0013470, OMIM 613863.
Neuropathy, hereditary sensory and autonomic, type 2A (HSAN2A). Also called: HSAN IIA; ACROOSTEOLYSIS, GIACCAI TYPE; ACROOSTEOLYSIS, NEUROGENIC; NEUROPATHY, CONGENITAL SENSORY; NEUROPATHY, HEREDITARY SENSORY RADICULAR, AUTOSOMAL RECESSIVE; NEUROPATHY, HEREDITARY SENSORY, TYPE IIA. Identifiers: Orphanet 970, MedGen C2752089, MONDO:0024309, OMIM 201300.

Submission:

Labcorp Genetics (formerly Invitae), Labcorp
Classification: Uncertain significance for Neuropathy, hereditary sensory and autonomic, type 2A; Generalized epilepsy with febrile seizures plus, type 7. Last evaluated: 2025-10-12. Review status: criteria provided, single submitter. Criteria: Invitae Variant Classification Sherloc (09022015). Collection method: clinical testing. Allele origin: germline.
Comment: This sequence change replaces asparagine, which is neutral and polar, with serine, which is neutral and polar, at codon 976 of the SCN9A protein (p.Asn976Ser). This variant is not present in population databases (gnomAD no frequency). This variant has not been reported in the literature in individuals affected with SCN9A-related conditions. ClinVar contains an entry for this variant (Variation ID: 1431422). Invitae Evidence Modeling of protein sequence and biophysical properties (such as structural, functional, and spatial information, amino acid conservation, physicochemical variation, residue mobility, and thermodynamic stability) indicates that this missense variant is not expected to disrupt SCN9A protein function with a negative predictive value of 95%. In summary, the available evidence is currently insufficient to determine the role of this variant in disease. Therefore, it has been classified as a Variant of Uncertain Significance.

NM_001365536.1(SCN9A):c.2960A>G (p.Asn987Ser)

Genes: SCN1A-AS1 (SCN1A and SCN9A antisense RNA 1; plus strand), SCN9A (sodium voltage-gated channel alpha subunit 9; minus strand). Cytogenetic location: 2q24.3.
Variant type: single nucleotide variant.
Coding change: c.2960A>G on transcript NM_001365536.1 (MANE Select); coding-DNA position 2960, A replaced by G.
Protein change: p.Asn987Ser; replaces asparagine 987 with serine.
Molecular consequence: missense variant.
Genome position (GRCh38, 1-based): chr2:166,272,790, T>C on the plus strand (A>G on the coding strand, the complement: SCN9A is on the minus strand). VCF-style: chr2-166272790-T-C. GRCh37 (hg19) VCF-style: chr2-167129300-T-C.
Other names: c.2927A>G, p.Asn976Ser (NM_002977.4); short protein forms N987S, N976S.
Identifiers: ClinVar variation 1431422 (VCV001431422.6), dbSNP rs2106461401, ClinGen allele CA349074698.